The following is an entry in ClinVar:

ClinVar aggregate classification (germline): Uncertain significance. Review status: criteria provided, multiple submitters, no conflicts (2 of 4 stars). 2 submissions from 2 submitters: Uncertain significance (2). Last evaluated 2023-08-26.

Conditions:
Neuroblastoma, susceptibility to, 3. Also called: ALK-Related Neuroblastic Tumor Susceptibility. Identifiers: Orphanet 635, MedGen C2751681, MONDO:0013083, OMIM 613014.
Hereditary cancer-predisposing syndrome. Also called: Hereditary neoplastic syndrome; Tumor predisposition; Neoplastic Syndromes, Hereditary; Hereditary Cancer Syndrome. Identifiers: Orphanet 140162, MedGen C0027672, MeSH D009386, MONDO:0015356.

Allele frequency attached by ClinVar (database versions not stated): gnomAD exomes below 0.00001.
gnomAD v4.1: 1 of 1,613,974 alleles (0.000062%); highest among the groups gnomAD compares: African/African-American, 0.0013%; no homozygotes.

Submissions (2):

Ambry Genetics
Classification: Uncertain significance for Hereditary cancer-predisposing syndrome. Last evaluated: 2023-08-26. Review status: criteria provided, single submitter. Criteria: Ambry Variant Classification Scheme 2023. Collection method: clinical testing. Allele origin: germline.
Comment: The p.S260N variant (also known as c.779G>A), located in coding exon 2 of the ALK gene, results from a G to A substitution at nucleotide position 779. The serine at codon 260 is replaced by asparagine, an amino acid with highly similar properties. This amino acid position is conserved. In addition, this alteration is predicted to be tolerated by in silico analysis. Since supporting evidence is limited at this time, the clinical significance of this alteration remains unclear.

Labcorp Genetics (formerly Invitae), Labcorp
Classification: Uncertain significance for Neuroblastoma, susceptibility to, 3. Last evaluated: 2022-07-05. Review status: criteria provided, single submitter. Criteria: Invitae Variant Classification Sherloc (09022015). Collection method: clinical testing. Allele origin: germline.
Comment: In summary, the available evidence is currently insufficient to determine the role of this variant in disease. Therefore, it has been classified as a Variant of Uncertain Significance. Algorithms developed to predict the effect of missense changes on protein structure and function are either unavailable or do not agree on the potential impact of this missense change (SIFT: "Deleterious"; PolyPhen-2: "Benign"; Align-GVGD: "Class C0"). ClinVar contains an entry for this variant (Variation ID: 952639). This variant has not been reported in the literature in individuals affected with ALK-related conditions. This variant is not present in population databases (gnomAD no frequency). This sequence change replaces serine, which is neutral and polar, with asparagine, which is neutral and polar, at codon 260 of the ALK protein (p.Ser260Asn).

NM_004304.5(ALK):c.779G>A (p.Ser260Asn)

Gene: ALK (ALK receptor tyrosine kinase; minus strand). Cytogenetic location: 2p23.2.
Variant type: single nucleotide variant.
Coding change: c.779G>A on transcript NM_004304.5 (MANE Select); coding-DNA position 779, G replaced by A.
Protein change: p.Ser260Asn; replaces serine 260 with asparagine.
Molecular consequence: missense variant.
Genome position (GRCh38, 1-based): chr2:29,717,586, C>T on the plus strand (G>A on the coding strand, the complement: ALK is on the minus strand). VCF-style: chr2-29717586-C-T. GRCh37 (hg19) VCF-style: chr2-29940452-C-T.
Other names: short protein forms S260N.
Identifiers: ClinVar variation 952639 (VCV000952639.11), dbSNP rs1679298966, ClinGen allele CA346587621.
Genomic context (GRCh38, chr2:29,717,586, plus strand): 5'-TATTATGAGATAGTGACAGTGTATCTCAAGTAAATATTAAACATATACTTACCATATCGG[C>T]TGCGATGAGACAGGAAAGGGAAGGAGTCTTTCATTATCCAGGTGAGATTCCATGTAAAAT-3'
Protein context (NP_004295.2, residues 250-270): KDSFPFLSHR[Ser260Asn]RYGLECSFDF